The following is an entry in ClinVar:

ClinVar aggregate classification (germline): Uncertain significance (1 of 4 stars; one submission).

gnomAD v4.1: 5 of 1,578,868 alleles (0.00032%); highest among the groups gnomAD compares: Non-Finnish European, 0.00043%; no homozygotes.

Submission:

Labcorp Genetics (formerly Invitae), Labcorp
Classification: Uncertain significance. Last evaluated: 2022-08-23. Review status: criteria provided, single submitter. Criteria: Invitae Variant Classification Sherloc (09022015). Collection method: clinical testing. Allele origin: germline.
Comment: ClinVar contains an entry for this variant (Variation ID: 1500773). In summary, the available evidence is currently insufficient to determine the role of this variant in disease. Therefore, it has been classified as a Variant of Uncertain Significance. Variants that disrupt the consensus splice site are a relatively common cause of aberrant splicing (PMID: 17576681, 9536098). Algorithms developed to predict the effect of sequence changes on RNA splicing suggest that this variant is not likely to affect RNA splicing. This variant has not been reported in the literature in individuals affected with TOP2B-related conditions. This variant is not present in population databases (gnomAD no frequency). This sequence change falls in intron 14 of the TOP2B gene. It does not directly change the encoded amino acid sequence of the TOP2B protein. It affects a nucleotide within the consensus splice site.

Literature cited by the submitters: PubMed 17576681; PubMed 9536098.

NM_001330700.2(TOP2B):c.1800+4C>A

Gene: TOP2B (DNA topoisomerase II beta; minus strand). Cytogenetic location: 3p24.2.
Variant type: single nucleotide variant.
Coding change: c.1800+4C>A on transcript NM_001330700.2 (MANE Select); 4 bases into the intron after coding-DNA position 1800, C replaced by A.
Molecular consequence: intron variant.
Genome position (GRCh38, 1-based): chr3:25,629,031, G>T on the plus strand (C>A on the coding strand, the complement: TOP2B is on the minus strand). VCF-style: chr3-25629031-G-T. GRCh37 (hg19) VCF-style: chr3-25670522-G-T.
Other names: c.1785+4C>A (NM_001068.3).
Identifiers: ClinVar variation 1500773 (VCV001500773.6), dbSNP rs201694255, ClinGen allele CA1046087128.